The following is an entry in ClinVar:

ClinVar aggregate classification (germline): Uncertain significance (1 of 4 stars; one submission).

Conditions:
Encephalopathy, acute, infection-induced (herpes-specific), susceptibility to, 1. Also called: Herpes simplex encephalitis, susceptibility to, 1. Identifiers: Orphanet 1930, MedGen C2750180, MONDO:0024563, OMIM 610551.

Submission:

Labcorp Genetics (formerly Invitae), Labcorp
Classification: Uncertain significance for Encephalopathy, acute, infection-induced (herpes-specific), susceptibility to, 1. Last evaluated: 2025-10-04. Review status: criteria provided, single submitter. Criteria: Invitae Variant Classification Sherloc (09022015). Collection method: clinical testing. Allele origin: germline.
Comment: This sequence change replaces threonine, which is neutral and polar, with isoleucine, which is neutral and non-polar, at codon 238 of the TLR3 protein (p.Thr238Ile). This variant is not present in population databases (gnomAD no frequency). This variant has not been reported in the literature in individuals affected with TLR3-related conditions. An algorithm developed to predict the effect of missense changes on protein structure and function outputs the following: PolyPhen-2: "Benign". The isoleucine amino acid residue is found in multiple mammalian species, which suggests that this missense change does not adversely affect protein function. In summary, the available evidence is currently insufficient to determine the role of this variant in disease. Therefore, it has been classified as a Variant of Uncertain Significance.

NM_003265.3(TLR3):c.713C>T (p.Thr238Ile)

Gene: TLR3 (toll like receptor 3; plus strand). Cytogenetic location: 4q35.1.
Variant type: single nucleotide variant.
Coding change: c.713C>T on transcript NM_003265.3 (MANE Select); coding-DNA position 713, C replaced by T.
Protein change: p.Thr238Ile; replaces threonine 238 with isoleucine.
Molecular consequence: missense variant.
Genome position (GRCh38, 1-based): chr4:186,082,399, C>T. VCF-style: chr4-186082399-C-T. GRCh37 (hg19) VCF-style: chr4-187003553-C-T.
Other names: short protein forms T238I.
Identifiers: ClinVar variation 4728028 (VCV004728028.1).
Genomic context (GRCh38, chr4:186,082,399, plus strand): 5'-ACGCAATTGGAAGATTATTTGGCCTCTTTCTGAACAATGTCCAGCTGGGTCCCAGCCTTA[C>T]AGAGAAGCTATGTTTGGAATTAGCAAACACAAGCATTCGGAATCTGTCTCTGAGTAACAG-3'
Protein context (NP_003256.1, residues 228-248): LNNVQLGPSL[Thr238Ile]EKLCLELANT